The following is an entry in ClinVar:

ClinVar aggregate classification (germline): Conflicting classifications of pathogenicity. Review status: criteria provided, conflicting classifications (1 of 4 stars). 5 submissions from 5 submitters: Uncertain significance (2); Benign (1); Likely benign (2). Last evaluated 2026-01-28.

Conditions:
PROM1-related disorder. Also called: PROM1-related condition; PROM1-related disorders.
Inborn genetic diseases. Identifiers: MedGen C0950123, MeSH D030342.

Allele frequency attached by ClinVar (database versions not stated): gnomAD exomes 0.00017; ExAC 0.00027; 1000 Genomes Project 30x 0.00031; 1000 Genomes Project 0.00040; gnomAD 0.00085 and 0.00095; ESP Exome Variant Server 0.00099; TOPMed 0.00099.
gnomAD v4.1: 223 of 1,613,460 alleles (0.014%); highest among the groups gnomAD compares: African/African-American, 0.28%; 1 homozygote.

Submissions (5):

Labcorp Genetics (formerly Invitae), Labcorp
Classification: Benign. Last evaluated: 2026-01-28. Review status: criteria provided, single submitter. Criteria: Invitae Variant Classification Sherloc (09022015). Collection method: clinical testing. Allele origin: germline.

Ambry Genetics
Classification: Uncertain significance for Inborn genetic diseases. Last evaluated: 2025-07-15. Review status: criteria provided, single submitter. Criteria: Ambry Variant Classification Scheme 2023. Collection method: clinical testing. Allele origin: germline.

PreventionGenetics, part of Exact Sciences
Classification: Likely benign for PROM1-related condition. Last evaluated: 2025-02-26. Review status: criteria provided, single submitter. Criteria: ACMG Guidelines, 2015. Collection method: clinical testing. Allele origin: germline.
Comment: This variant is classified as likely benign based on ACMG/AMP sequence variant interpretation guidelines (Richards et al. 2015 PMID: 25741868, with internal and published modifications).

Blueprint Genetics
Classification: Likely benign. Last evaluated: 2024-02-09. Review status: criteria provided, single submitter. Criteria: ACMG Guidelines, 2015. Collection method: clinical testing. Allele origin: germline.

Eurofins Ntd Llc (ga)
Classification: Uncertain significance. Last evaluated: 2015-02-24. Review status: criteria provided, single submitter. Criteria: EGL Classification Definitions 2015. Collection method: clinical testing. Allele origin: germline. Observed: 1 variant allele, 1 heterozygote.

NM_006017.3(PROM1):c.134A>G (p.Asp45Gly)

Gene: PROM1 (prominin 1; minus strand). Cytogenetic location: 4p15.32.
Variant type: single nucleotide variant.
Coding change: c.134A>G on transcript NM_006017.3 (MANE Select); coding-DNA position 134, A replaced by G.
Protein change: p.Asp45Gly; replaces aspartic acid 45 with glycine.
Molecular consequence: missense variant.
Genome position (GRCh38, 1-based): chr4:16,075,773, T>C on the plus strand (A>G on the coding strand, the complement: PROM1 is on the minus strand). VCF-style: chr4-16075773-T-C. GRCh37 (hg19) VCF-style: chr4-16077396-T-C.
Other names: c.134A>G, p.Asp45Gly (NM_001145847.2, NM_001145848.2, NM_001145849.2 and 6 more transcripts); c.134A>G (NM_006017.2); short protein forms D45G.
Identifiers: ClinVar variation 193328 (VCV000193328.18), dbSNP rs201559220, ClinGen allele CA238843.